The following is an entry in ClinVar:

NM_001211.6(BUB1B):c.2447A>G (p.Asn816Ser)

Gene: BUB1B (BUB1 mitotic checkpoint serine/threonine kinase B; plus strand). Cytogenetic location: 15q15.1.
Variant type: single nucleotide variant.
Coding change: c.2447A>G on transcript NM_001211.6 (MANE Select); coding-DNA position 2447, A replaced by G.
Protein change: p.Asn816Ser; replaces asparagine 816 with serine.
Molecular consequence: missense variant.
Genome position (GRCh38, 1-based): chr15:40,212,560, A>G. VCF-style: chr15-40212560-A-G. GRCh37 (hg19) VCF-style: chr15-40504761-A-G.
Other names: short protein forms N816S.
Identifiers: ClinVar variation 2974820 (VCV002974820.3), dbSNP rs1279903252, ClinGen allele CA391695229.

ClinVar aggregate classification (germline): Uncertain significance (1 of 4 stars; one submission).

Conditions:
Mosaic variegated aneuploidy syndrome 1 (MVA1). Also called: Warburton-Anyane-Yeboa syndrome. Identifiers: Orphanet 1052, MedGen C1850343, MONDO:0009759, OMIM 257300.

Allele frequency attached by ClinVar (database versions not stated): gnomAD exomes below 0.00001; TOPMed below 0.00001.
gnomAD v4.1: 4 of 1,613,274 alleles (0.00025%); highest among the groups gnomAD compares: Middle Eastern, 0.016%; no homozygotes.

Submission:

Labcorp Genetics (formerly Invitae), Labcorp
Classification: Uncertain significance for Mosaic variegated aneuploidy syndrome 1. Last evaluated: 2023-02-27. Review status: criteria provided, single submitter. Criteria: Invitae Variant Classification Sherloc (09022015). Collection method: clinical testing. Allele origin: germline.
Comment: This variant has not been reported in the literature in individuals affected with BUB1B-related conditions. An algorithm developed to predict the effect of missense changes on protein structure and function (PolyPhen-2) suggests that this variant is likely to be tolerated. In summary, the available evidence is currently insufficient to determine the role of this variant in disease. Therefore, it has been classified as a Variant of Uncertain Significance. This variant is not present in population databases (gnomAD no frequency). This sequence change replaces asparagine, which is neutral and polar, with serine, which is neutral and polar, at codon 816 of the BUB1B protein (p.Asn816Ser).